The following is an entry in ClinVar:

ClinVar aggregate classification (germline): Uncertain significance (1 of 4 stars; one submission).

Conditions:
Deficiency of 2-methylbutyryl-CoA dehydrogenase (ACADSB). Also called: 2-methylbutyrylglycinuria; 2-methylbutyryl-CoA dehydrogenase deficiency; SBCAD deficiency; 2-methylbutyric aciduria; Short branched-chain acyl-CoA dehydrogenase deficiency. Identifiers: Orphanet 79157, MedGen C1864912, MONDO:0012392, OMIM 610006, HP:0020147.

Submission:

Labcorp Genetics (formerly Invitae), Labcorp
Classification: Uncertain significance for Deficiency of 2-methylbutyryl-CoA dehydrogenase. Last evaluated: 2022-06-05. Review status: criteria provided, single submitter. Criteria: Invitae Variant Classification Sherloc (09022015). Collection method: clinical testing. Allele origin: germline.
Comment: This sequence change replaces isoleucine, which is neutral and non-polar, with leucine, which is neutral and non-polar, at codon 141 of the ACADSB protein (p.Ile141Leu). This variant is present in population databases (rs753508431, gnomAD 0.002%). This variant has not been reported in the literature in individuals affected with ACADSB-related conditions. ClinVar contains an entry for this variant (Variation ID: 1503544). Algorithms developed to predict the effect of missense changes on protein structure and function output the following: SIFT: "Tolerated"; PolyPhen-2: "Benign"; Align-GVGD: "Class C0". The leucine amino acid residue is found in multiple mammalian species, which suggests that this missense change does not adversely affect protein function. In summary, the available evidence is currently insufficient to determine the role of this variant in disease. Therefore, it has been classified as a Variant of Uncertain Significance.

NM_001609.4(ACADSB):c.421A>C (p.Ile141Leu)

Gene: ACADSB (acyl-CoA dehydrogenase short/branched chain; plus strand). Cytogenetic location: 10q26.13.
Variant type: single nucleotide variant.
Coding change: c.421A>C on transcript NM_001609.4 (MANE Select); coding-DNA position 421, A replaced by C.
Protein change: p.Ile141Leu; replaces isoleucine 141 with leucine.
Molecular consequence: missense variant.
Genome position (GRCh38, 1-based): chr10:123,040,583, A>C. VCF-style: chr10-123040583-A-C. GRCh37 (hg19) VCF-style: chr10-124800099-A-C.
Other names: c.115A>C, p.Ile39Leu (NM_001330174.3); short protein forms I39L, I141L.
Identifiers: ClinVar variation 1503544 (VCV001503544.4), dbSNP rs753508431, ClinGen allele CA5730703.